The following is an entry in ClinVar:

ClinVar aggregate classification (germline): Uncertain significance (1 of 4 stars; one submission).

Conditions:
Congenital myopathy with internal nuclei and atypical cores. Also called: Myopathy, centronuclear, 4. Identifiers: Orphanet 319160, MedGen C4707232, MONDO:0013890, OMIM 614807.

Submission:

Labcorp Genetics (formerly Invitae), Labcorp
Classification: Uncertain significance for Congenital myopathy with internal nuclei and atypical cores. Last evaluated: 2025-12-13. Review status: criteria provided, single submitter. Criteria: Invitae Variant Classification Sherloc (09022015). Collection method: clinical testing. Allele origin: germline.
Comment: This sequence change replaces arginine, which is basic and polar, with tryptophan, which is neutral and slightly polar, at codon 92 of the CCDC78 protein (p.Arg92Trp). This variant is present in population databases (rs769448022, gnomAD 0.003%). This variant has not been reported in the literature in individuals affected with CCDC78-related conditions. Invitae Evidence Modeling of protein sequence and biophysical properties (such as structural, functional, and spatial information, amino acid conservation, physicochemical variation, residue mobility, and thermodynamic stability) indicates that this missense variant is not expected to disrupt CCDC78 protein function with a negative predictive value of 80%. Algorithms developed to predict the effect of sequence changes on RNA splicing suggest that this variant may disrupt the consensus splice site. In summary, the available evidence is currently insufficient to determine the role of this variant in disease. Therefore, it has been classified as a Variant of Uncertain Significance.

NM_001378030.1(CCDC78):c.274C>T (p.Arg92Trp)

Gene: CCDC78 (coiled-coil domain containing 78; minus strand). Cytogenetic location: 16p13.3.
Variant type: single nucleotide variant.
Coding change: c.274C>T on transcript NM_001378030.1 (MANE Select); coding-DNA position 274, C replaced by T.
Protein change: p.Arg92Trp; replaces arginine 92 with tryptophan.
Molecular consequence: missense variant. On other transcripts: non-coding transcript variant (5), intron variant (1).
Genome position (GRCh38, 1-based): chr16:725,574, G>A on the plus strand (C>T on the coding strand, the complement: CCDC78 is on the minus strand). VCF-style: chr16-725574-G-A. GRCh37 (hg19) VCF-style: chr16-775574-G-A.
Other names: c.274C>T, p.Arg92Trp (NM_001031737.3, NM_001378031.1); c.-19+220C>T (NM_001378033.1); short protein forms R92W.
Identifiers: ClinVar variation 4811350 (VCV004811350.1).